The following is an entry in ClinVar:

ClinVar aggregate classification (germline): Uncertain significance. Review status: criteria provided, multiple submitters, no conflicts (2 of 4 stars). 2 submissions from 2 submitters: Uncertain significance (2). Last evaluated 2024-02-28.

Allele frequency attached by ClinVar (database versions not stated): gnomAD 0.00001; gnomAD exomes 0.00001; TOPMed 0.00002.
gnomAD v4.1: 5 of 1,606,238 alleles (0.00031%); highest among the groups gnomAD compares: Admixed American, 0.0085%; no homozygotes.

Submissions (2):

Blueprint Genetics
Classification: Uncertain significance. Last evaluated: 2024-02-28. Review status: criteria provided, single submitter. Criteria: ACMG Guidelines, 2015. Collection method: clinical testing. Allele origin: germline.

Labcorp Genetics (formerly Invitae), Labcorp
Classification: Uncertain significance. Last evaluated: 2022-07-05. Review status: criteria provided, single submitter. Criteria: Invitae Variant Classification Sherloc (09022015). Collection method: clinical testing. Allele origin: germline.
Comment: This variant has not been reported in the literature in individuals affected with KCNV2-related conditions. This variant is present in population databases (no rsID available, gnomAD 0.003%). This sequence change replaces glutamic acid, which is acidic and polar, with alanine, which is neutral and non-polar, at codon 231 of the KCNV2 protein (p.Glu231Ala). In summary, the available evidence is currently insufficient to determine the role of this variant in disease. Therefore, it has been classified as a Variant of Uncertain Significance. Advanced modeling of protein sequence and biophysical properties (such as structural, functional, and spatial information, amino acid conservation, physicochemical variation, residue mobility, and thermodynamic stability) performed at Invitae indicates that this missense variant is not expected to disrupt KCNV2 protein function.

NM_133497.4(KCNV2):c.692A>C (p.Glu231Ala)

Gene: KCNV2 (potassium voltage-gated channel modifier subfamily V member 2; plus strand). Cytogenetic location: 9p24.2.
Variant type: single nucleotide variant.
Coding change: c.692A>C on transcript NM_133497.4 (MANE Select); coding-DNA position 692, A replaced by C.
Protein change: p.Glu231Ala; replaces glutamic acid 231 with alanine.
Molecular consequence: missense variant.
Genome position (GRCh38, 1-based): chr9:2,718,431, A>C. VCF-style: chr9-2718431-A-C. GRCh37 (hg19) VCF-style: chr9-2718431-A-C.
Other names: short protein forms E231A.
Identifiers: ClinVar variation 2055541 (VCV002055541.5), dbSNP rs1385450373, ClinGen allele CA372798760.